The following is an entry in ClinVar:

NM_001042492.3(NF1):c.2103del (p.Ala702fs)

Gene: NF1 (neurofibromin 1; plus strand). Cytogenetic location: 17q11.2.
Variant type: Deletion.
Coding change: c.2103del on transcript NM_001042492.3 (MANE Select); coding-DNA position 2103, one base deleted (A; older notation c.2103delA).
Protein change: p.Ala702fs; shifts the reading frame from alanine 702.
Molecular consequence: frameshift variant.
Genome position (GRCh38, 1-based): chr17:31,226,536, A deleted; the last of 2 consecutive A bases (chr17:31,226,535-31,226,536); deleting either gives the same sequence. VCF-style (leftmost placement, unchanged base first): chr17-31226534-GA-G. GRCh37 (hg19) VCF-style: chr17-29553552-GA-G.
Other names: c.2103delA, p.Ala702Leufs (NM_000267.4); short protein forms A702fs.
Identifiers: ClinVar variation 2014260 (VCV002014260.4), dbSNP rs2508156196, ClinGen allele CA2580093147.

ClinVar aggregate classification (germline): Pathogenic (1 of 4 stars; one submission).

Conditions:
Neurofibromatosis, type 1 (NF1). Also called: Neurofibromatosis, type I; Peripheral type neurofibromatosis; VON RECKLINGHAUSEN DISEASE; NEUROFIBROMATOSIS, TYPE I, SOMATIC. Identifiers: Orphanet 636, MedGen C0027831, MONDO:0018975, OMIM 162200. Disease mechanism: loss of function.

Submission:

Labcorp Genetics (formerly Invitae), Labcorp
Classification: Pathogenic for Neurofibromatosis, type 1. Last evaluated: 2022-07-05. Review status: criteria provided, single submitter. Criteria: Invitae Variant Classification Sherloc (09022015). Collection method: clinical testing. Allele origin: germline.
Comment: For these reasons, this variant has been classified as Pathogenic. This variant has not been reported in the literature in individuals affected with NF1-related conditions. This sequence change creates a premature translational stop signal (p.Ala702Leufs*46) in the NF1 gene. It is expected to result in an absent or disrupted protein product. Loss-of-function variants in NF1 are known to be pathogenic (PMID: 10712197, 23913538). This variant is not present in population databases (gnomAD no frequency).

Literature cited by the submitters: PubMed 10712197; PubMed 23913538.